The following is an entry in ClinVar:

ClinVar aggregate classification (germline): Pathogenic (1 of 4 stars; one submission).

Conditions:
Primary ciliary dyskinesia. Also called: Ciliary dyskinesia. Identifiers: Orphanet 244, MedGen C0008780, MONDO:0016575, HP:0012265.

Submission:

Labcorp Genetics (formerly Invitae), Labcorp
Classification: Pathogenic for Primary ciliary dyskinesia. Last evaluated: 2019-12-31. Review status: criteria provided, single submitter. Criteria: Invitae Variant Classification Sherloc (09022015). Collection method: clinical testing. Allele origin: germline.
Comment: For these reasons, this variant has been classified as Pathogenic. Loss-of-function variants in DNAH5 are known to be pathogenic (PMID: 11788826, 16627867). This variant has not been reported in the literature in individuals with DNAH5-related conditions. This variant is not present in population databases (ExAC no frequency). This sequence change creates a premature translational stop signal (p.Gly3644*) in the DNAH5 gene. It is expected to result in an absent or disrupted protein product.

Literature cited by the submitters: PubMed 11788826; PubMed 16627867.

NM_001369.3(DNAH5):c.10930G>T (p.Gly3644Ter)

Gene: DNAH5 (dynein axonemal heavy chain 5; minus strand). Cytogenetic location: 5p15.2.
Variant type: single nucleotide variant.
Coding change: c.10930G>T on transcript NM_001369.3 (MANE Select); coding-DNA position 10930, G replaced by T.
Protein change: p.Gly3644Ter; replaces glycine 3644 with a stop codon.
Molecular consequence: nonsense.
Genome position (GRCh38, 1-based): chr5:13,752,232, C>A on the plus strand (G>T on the coding strand, the complement: DNAH5 is on the minus strand). VCF-style: chr5-13752232-C-A. GRCh37 (hg19) VCF-style: chr5-13752341-C-A.
Other names: short protein forms G3644*.
Identifiers: ClinVar variation 844652 (VCV000844652.16), dbSNP rs1750339039, ClinGen allele CA359190253.
Genomic context (GRCh38, chr5:13,752,232, plus strand): 5'-AAACATTATCTAGTGCTGGATCTAGTTCCTCTCCAACATCTTCAATAAGCAAAGGCCTTC[C>A]AAGAGAAAGGCTGTCTTCCAGGTGGTTTCTGAAGTACTTGTGATTTAAAGACGTGATCTA-3'